The following is an entry in ClinVar:

NM_133379.5(TTN):c.13295A>G (p.Asn4432Ser)

Gene: TTN (titin; minus strand). Cytogenetic location: 2q31.2.
Variant type: single nucleotide variant.
Coding change: c.13295A>G on transcript NM_133379.5 (MANE Plus Clinical); coding-DNA position 13295, A replaced by G.
Protein change: p.Asn4432Ser; replaces asparagine 4432 with serine.
Molecular consequence: missense variant. On other transcripts: intron variant (6).
Genome position (GRCh38, 1-based): chr2:178,749,105, T>C on the plus strand (A>G on the coding strand, the complement: TTN is on the minus strand). VCF-style: chr2-178749105-T-C. GRCh37 (hg19) VCF-style: chr2-179613832-T-C.
Other names: c.10222+4019A>G (NM_003319.4); c.10798+4019A>G (NM_133437.4); c.10597+4019A>G (NM_133432.3); c.10360+4019A>G (NM_133378.4, NM_001256850.1); c.11311+4019A>G (NM_001267550.2); short protein forms N4432S.
Identifiers: ClinVar variation 47751 (VCV000047751.6), dbSNP rs397517808, ClinGen allele CA141829.

ClinVar aggregate classification (germline): Uncertain significance (1 of 4 stars; one submission).

Submission:

Laboratory for Molecular Medicine, Mass General Brigham Personalized Medicine
Classification: Uncertain significance. Last evaluated: 2021-02-03. Review status: criteria provided, single submitter. Criteria: LMM Criteria. Collection method: clinical testing. Allele origin: germline. Observed: 2 variant alleles.
Comment: It was absent from large population studies. Computational prediction tools and conservation analyses are limited but suggest that this variant may not impact the protein, though this information is not predictive enough to rule out pathogenicity. In summary, the clinical significance of this variant is uncertain. ACMG/AMP Criteria applied: PM2_Supporting.